The following is an entry in ClinVar:

ClinVar aggregate classification (germline): Uncertain significance. Review status: criteria provided, multiple submitters, no conflicts (2 of 4 stars). 2 submissions from 2 submitters: Uncertain significance (2). Last evaluated 2026-04-01.

Conditions:
PLXNA3-related disorder. Also called: PLXNA3-related condition.

Allele frequency attached by ClinVar (database versions not stated): gnomAD 0.00002; TOPMed 0.00002.
gnomAD v4.1: 20 of 1,211,185 alleles (0.0017%); highest among the groups gnomAD compares: Admixed American, 0.0065%; no homozygotes.

Submissions (3):

PreventionGenetics, part of Exact Sciences
Classification: Uncertain significance for PLXNA3-related condition. Last evaluated: 2026-04-01. Review status: criteria provided, single submitter. Criteria: ACMG Guidelines, 2015. Collection method: clinical testing. Allele origin: germline.
Comment: The PLXNA3 c.853C>T variant is predicted to result in the amino acid substitution p.Arg285Cys. To our knowledge, this variant has not been reported in the literature. This variant is reported in 0.0052% of alleles in individuals of South Asian descent in gnomAD. At this time, the clinical significance of this variant is uncertain due to the absence of conclusive functional and genetic evidence.

Ambry Genetics
Classification: Uncertain significance. Last evaluated: 2023-11-18. Review status: criteria provided, single submitter. Criteria: Ambry Variant Classification Scheme 2023. Collection method: clinical testing. Allele origin: germline.

Dr. Peter K. Rogan Lab, Western University
No classification provided (evidence only). Condition: Thyroid cancer, nonmedullary, 1. Review status: no classification provided. Collection method: in vitro. Allele origin: not applicable. Functional consequence: retained intron. Not counted in ClinVar's aggregate classification.

NM_017514.5(PLXNA3):c.853C>T (p.Arg285Cys)

Gene: PLXNA3 (plexin A3; plus strand). Cytogenetic location: Xq28.
Variant type: single nucleotide variant.
Coding change: c.853C>T on transcript NM_017514.5 (MANE Select); coding-DNA position 853, C replaced by T.
Protein change: p.Arg285Cys; replaces arginine 285 with cysteine.
Molecular consequence: missense variant.
Genome position (GRCh38, 1-based): chrX:154,461,357, C>T. VCF-style: chrX-154461357-C-T. GRCh37 (hg19) VCF-style: chrX-153689697-C-T.
Other names: NC_000023.10:g.153689697C>T; short protein forms R285C.
Identifiers: ClinVar variation 3215575 (VCV003215575.3), dbSNP rs781931954, ClinGen allele CA415231459.